The following is an entry in ClinVar:

ClinVar aggregate classification (germline): Uncertain significance (1 of 4 stars; one submission).

Allele frequency attached by ClinVar (database versions not stated): gnomAD exomes below 0.00001.
gnomAD v4.1: 5 of 1,613,458 alleles (0.00031%); highest among the groups gnomAD compares: Admixed American, 0.0033%; no homozygotes.

Submission:

Ambry Genetics
Classification: Uncertain significance. Last evaluated: 2024-06-07. Review status: criteria provided, single submitter. Criteria: Ambry Variant Classification Scheme 2023. Collection method: clinical testing. Allele origin: germline.
Comment: The p.S305F variant (also known as c.914C>T), located in coding exon 6 of the POLQ gene, results from a C to T substitution at nucleotide position 914. The serine at codon 305 is replaced by phenylalanine, an amino acid with highly dissimilar properties. This amino acid position is conserved. In addition, this alteration is predicted to be tolerated by in silico analysis. Since supporting evidence is limited at this time, the clinical significance of this alteration remains unclear.

NM_199420.4(POLQ):c.914C>T (p.Ser305Phe)

Gene: POLQ (DNA polymerase theta; minus strand). Cytogenetic location: 3q13.33.
Variant type: single nucleotide variant.
Coding change: c.914C>T on transcript NM_199420.4 (MANE Select); coding-DNA position 914, C replaced by T.
Protein change: p.Ser305Phe; replaces serine 305 with phenylalanine.
Molecular consequence: missense variant.
Genome position (GRCh38, 1-based): chr3:121,533,036, G>A on the plus strand (C>T on the coding strand, the complement: POLQ is on the minus strand). VCF-style: chr3-121533036-G-A. GRCh37 (hg19) VCF-style: chr3-121251883-G-A.
Other names: short protein forms S305F.
Identifiers: ClinVar variation 1765962 (VCV001765962.3), dbSNP rs1384566219, ClinGen allele CA354125958.